The following is an entry in ClinVar:

NM_001009925.2(TMEM230):c.311C>T (p.Ser104Phe)

Gene: TMEM230 (transmembrane protein 230; minus strand). Cytogenetic location: 20p12.3.
Variant type: single nucleotide variant.
Coding change: c.311C>T on transcript NM_001009925.2 (MANE Select); coding-DNA position 311, C replaced by T.
Protein change: p.Ser104Phe; replaces serine 104 with phenylalanine.
Molecular consequence: missense variant. On other transcripts: intron variant (1).
Genome position (GRCh38, 1-based): chr20:5,100,843, G>A on the plus strand (C>T on the coding strand, the complement: TMEM230 is on the minus strand). VCF-style: chr20-5100843-G-A. GRCh37 (hg19) VCF-style: chr20-5081489-G-A.
Other names: c.311C>T, p.Ser104Phe (NM_001009924.2, NM_001330984.2, NM_001330985.2 and 3 more transcripts); c.222+5345C>T (NM_001330987.2); short protein forms S104F.
Identifiers: ClinVar variation 1432566 (VCV001432566.8), dbSNP rs1325466322, ClinGen allele CA408154504.

ClinVar aggregate classification (germline): Uncertain significance (1 of 4 stars; one submission).

Allele frequency attached by ClinVar (database versions not stated): TOPMed below 0.00001; gnomAD 0.00001.
gnomAD v4.1: 1 of 1,614,030 alleles (0.000062%); highest among the groups gnomAD compares: Non-Finnish European, 0.000085%; no homozygotes.

Submission:

Labcorp Genetics (formerly Invitae), Labcorp
Classification: Uncertain significance. Last evaluated: 2021-06-10. Review status: criteria provided, single submitter. Criteria: Invitae Variant Classification Sherloc (09022015). Collection method: clinical testing. Allele origin: germline.
Comment: Algorithms developed to predict the effect of missense changes on protein structure and function are either unavailable or do not agree on the potential impact of this missense change (SIFT: "Deleterious"; PolyPhen-2: "Benign"; Align-GVGD: "Class C15"). In summary, the available evidence is currently insufficient to determine the role of this variant in disease. Therefore, it has been classified as a Variant of Uncertain Significance. This variant has not been reported in the literature in individuals with TMEM230-related conditions. This sequence change replaces serine with phenylalanine at codon 167 of the TMEM230 protein (p.Ser167Phe). The serine residue is highly conserved and there is a large physicochemical difference between serine and phenylalanine. This variant is not present in population databases (ExAC no frequency).